The following is an entry in ClinVar:

NM_032656.4(DHX37):c.1036A>G (p.Lys346Glu)

Gene: DHX37 (DEAH-box helicase 37; minus strand). Cytogenetic location: 12q24.31.
Variant type: single nucleotide variant.
Coding change: c.1036A>G on transcript NM_032656.4 (MANE Select); coding-DNA position 1036, A replaced by G.
Protein change: p.Lys346Glu; replaces lysine 346 with glutamic acid.
Molecular consequence: missense variant.
Genome position (GRCh38, 1-based): chr12:124,972,544, T>C on the plus strand (A>G on the coding strand, the complement: DHX37 is on the minus strand). VCF-style: chr12-124972544-T-C. GRCh37 (hg19) VCF-style: chr12-125457090-T-C.
Other names: short protein forms K346E.
Identifiers: ClinVar variation 4742048 (VCV004742048.1).

ClinVar aggregate classification (germline): Uncertain significance (1 of 4 stars; one submission).

Submission:

Labcorp Genetics (formerly Invitae), Labcorp
Classification: Uncertain significance. Last evaluated: 2025-12-17. Review status: criteria provided, single submitter. Criteria: Invitae Variant Classification Sherloc (09022015). Collection method: clinical testing. Allele origin: germline.
Comment: This sequence change replaces lysine, which is basic and polar, with glutamic acid, which is acidic and polar, at codon 346 of the DHX37 protein (p.Lys346Glu). This variant is not present in population databases (gnomAD no frequency). This variant has not been reported in the literature in individuals affected with DHX37-related conditions. Invitae Evidence Modeling of protein sequence and biophysical properties (such as structural, functional, and spatial information, amino acid conservation, physicochemical variation, residue mobility, and thermodynamic stability) indicates that this missense variant is expected to disrupt DHX37 protein function with a positive predictive value of 80%. In summary, the available evidence is currently insufficient to determine the role of this variant in disease. Therefore, it has been classified as a Variant of Uncertain Significance.